The following is an entry in ClinVar:

NM_004064.5(CDKN1B):c.83C>T (p.Ala28Val)

Gene: CDKN1B (cyclin dependent kinase inhibitor 1B; plus strand). Cytogenetic location: 12p13.1.
Variant type: single nucleotide variant.
Coding change: c.83C>T on transcript NM_004064.5 (MANE Select); coding-DNA position 83, C replaced by T.
Protein change: p.Ala28Val; replaces alanine 28 with valine.
Molecular consequence: missense variant.
Genome position (GRCh38, 1-based): chr12:12,717,922, C>T. VCF-style: chr12-12717922-C-T. GRCh37 (hg19) VCF-style: chr12-12870856-C-T.
Other names: c.83C>T (NM_004064.3); short protein forms A28V.
Identifiers: ClinVar variation 940679 (VCV000940679.12), dbSNP rs1592280774, ClinGen allele CA383968407.

ClinVar aggregate classification (germline): Uncertain significance. Review status: criteria provided, multiple submitters, no conflicts (2 of 4 stars). 3 submissions from 3 submitters: Uncertain significance (3). Last evaluated 2023-12-04.

Conditions:
Hereditary cancer-predisposing syndrome. Also called: Tumor predisposition; Hereditary neoplastic syndrome; Neoplastic Syndromes, Hereditary; Hereditary Cancer Syndrome. Identifiers: Orphanet 140162, MedGen C0027672, MeSH D009386, MONDO:0015356.
Multiple endocrine neoplasia type 4. Also called: MULTIPLE ENDOCRINE NEOPLASIA, TYPE IV. Identifiers: Orphanet 276152, MedGen C1970712, MONDO:0012552, OMIM 610755.

Allele frequency attached by ClinVar (database versions not stated): gnomAD exomes 0.00001.

Submissions (3):

Ambry Genetics
Classification: Uncertain significance for Hereditary cancer-predisposing syndrome. Last evaluated: 2023-12-04. Review status: criteria provided, single submitter. Criteria: Ambry Variant Classification Scheme 2023. Collection method: clinical testing. Allele origin: germline.
Comment: The p.A28V variant (also known as c.83C>T), located in coding exon 1 of the CDKN1B gene, results from a C to T substitution at nucleotide position 83. The alanine at codon 28 is replaced by valine, an amino acid with similar properties. This amino acid position is conserved. In addition, the in silico prediction for this alteration is inconclusive. Since supporting evidence is limited at this time, the clinical significance of this alteration remains unclear.

Labcorp Genetics (formerly Invitae), Labcorp
Classification: Uncertain significance for Multiple endocrine neoplasia type 4. Last evaluated: 2023-10-18. Review status: criteria provided, single submitter. Criteria: Invitae Variant Classification Sherloc (09022015). Collection method: clinical testing. Allele origin: germline.
Comment: This sequence change replaces alanine, which is neutral and non-polar, with valine, which is neutral and non-polar, at codon 28 of the CDKN1B protein (p.Ala28Val). This variant is not present in population databases (gnomAD no frequency). This variant has not been reported in the literature in individuals affected with CDKN1B-related conditions. ClinVar contains an entry for this variant (Variation ID: 940679). An algorithm developed to predict the effect of missense changes on protein structure and function (PolyPhen-2) suggests that this variant is likely to be disruptive. In summary, the available evidence is currently insufficient to determine the role of this variant in disease. Therefore, it has been classified as a Variant of Uncertain Significance.

GeneDx
Classification: Uncertain significance. Last evaluated: 2019-04-11. Review status: criteria provided, single submitter. Criteria: GeneDx Variant Classification Process June 2021. Collection method: clinical testing. Allele origin: germline. Affected: yes.
Comment: Not observed in large population cohorts (Lek 2016); In silico analysis supports that this missense variant does not alter protein structure/function; Has not been previously published as pathogenic or benign to our knowledge